The following is an entry in ClinVar:

ClinVar aggregate classification (germline): Uncertain significance (1 of 4 stars; one submission).

Conditions:
Atypical hemolytic-uremic syndrome. Identifiers: Orphanet 2134, MedGen C2931788, MONDO:0016244.

Submission:

Genomenon, Inc
Classification: Uncertain significance for Atypical hemolytic-uremic syndrome. Last evaluated: 2025-10-02. Review status: criteria provided, single submitter. Criteria: Genomenon Sequence Variant Interpretation Standards - Updated. Collection method: curation. Allele origin: germline. Affected: yes.
Comment: CFH p.Glu395_Tyr398dup (c.1183_1194dup) is an in-frame duplication that results in the duplication of multiple amino acids, from Glutamic acid at codon 395 to Tyrosine at codon 398. This variant has been observed in at least one proband affected with atypical hemolytic-uremic syndrome (PMID:25037630). It is absent or not present at a significant frequency in gnomAD. In conclusion, we classify CFH p.Glu395dup (c.1183_1194dup) as a variant of uncertain significance.

Literature cited by the submitters: PubMed 25037630.

NM_000186.4(CFH):c.1183_1194dup (p.Tyr398_Asn399insGluAsnGlyTyr)

Gene: CFH (complement factor H; plus strand). Cytogenetic location: 1q31.3.
Variant type: Duplication.
Coding change: c.1183_1194dup on transcript NM_000186.4 (MANE Select); coding-DNA positions 1183 to 1194, 12 bases duplicated (GAAAATGGATAT).
Protein change: p.Tyr398_Asn399insGluAsnGlyTyr.
Molecular consequence: inframe insertion.
Genome position (GRCh38, 1-based): chr1:196,690,086-196,690,097, GAAAATGGATAT duplicated. VCF-style (leftmost placement, unchanged base first): chr1-196690085-G-GGAAAATGGATAT. GRCh37 (hg19) VCF-style: chr1-196659215-G-GGAAAATGGATAT.
Other names: c.1183_1194dup, p.Tyr398_Asn399insGluAsnGlyTyr (NM_001014975.3).
Identifiers: ClinVar variation 4291372 (VCV004291372.1).